The following is an entry in ClinVar:

ClinVar aggregate classification (germline): Uncertain significance (1 of 4 stars; one submission).

Submission:

Dasa
Classification: Uncertain significance. Last evaluated: 2025-02-10. Review status: criteria provided, single submitter. Criteria: DASA Assertion Criteria. Collection method: clinical testing. Allele origin: germline.
Comment: NM_021830.5(TWNK):c.459G>T (p.Glu153Asp) is a missense variant that results in the substitution of glutamic acid with aspartic acid. This variant is absent from population databases. Computational prediction algorithms are consistent with a benign effect. The currently available literature and clinical evidence are not sufficient to establish a definitive association between this variant and the reported condition. Therefore, this variant is classified as a variant of uncertain significance.

NM_021830.5(TWNK):c.459G>T (p.Glu153Asp)

Gene: TWNK (twinkle mtDNA helicase; plus strand). Cytogenetic location: 10q24.31.
Variant type: single nucleotide variant.
Coding change: c.459G>T on transcript NM_021830.5 (MANE Select); coding-DNA position 459, G replaced by T.
Protein change: p.Glu153Asp; replaces glutamic acid 153 with aspartic acid.
Molecular consequence: missense variant. On other transcripts: non-coding transcript variant (4), intron variant (3).
Genome position (GRCh38, 1-based): chr10:100,988,669, G>T. VCF-style: chr10-100988669-G-T. GRCh37 (hg19) VCF-style: chr10-102748426-G-T.
Other names: c.459G>T, p.Glu153Asp (NM_001163812.2); c.-119-975G>T (NM_001163814.2, NM_001163813.2); c.-57-1037G>T (NM_001368275.1); short protein forms E153D.
Identifiers: ClinVar variation 4882536 (VCV004882536.2).